The following is an entry in ClinVar:

ClinVar aggregate classification (germline): Uncertain significance (1 of 4 stars; one submission).

Conditions:
Hereditary cancer-predisposing syndrome. Also called: Tumor predisposition; Neoplastic Syndromes, Hereditary; Hereditary neoplastic syndrome; Hereditary Cancer Syndrome. Identifiers: Orphanet 140162, MedGen C0027672, MeSH D009386, MONDO:0015356.

Submission:

Ambry Genetics
Classification: Uncertain significance for Hereditary cancer-predisposing syndrome. Last evaluated: 2024-08-12. Review status: criteria provided, single submitter. Criteria: Ambry Variant Classification Scheme 2023. Collection method: clinical testing. Allele origin: germline.
Comment: The p.N1065H variant (also known as c.3193A>C), located in coding exon 15 of the BLM gene, results from an A to C substitution at nucleotide position 3193. The asparagine at codon 1065 is replaced by histidine, an amino acid with similar properties. This amino acid position is conserved. In addition, the in silico prediction for this alteration is inconclusive. Based on the available evidence, the clinical significance of this variant remains unclear.

NM_000057.4(BLM):c.3193A>C (p.Asn1065His)

Gene: BLM (BLM RecQ like helicase; plus strand). Cytogenetic location: 15q26.1.
Variant type: single nucleotide variant.
Coding change: c.3193A>C on transcript NM_000057.4 (MANE Select); coding-DNA position 3193, A replaced by C.
Protein change: p.Asn1065His; replaces asparagine 1065 with histidine.
Molecular consequence: missense variant.
Genome position (GRCh38, 1-based): chr15:90,794,340, A>C. VCF-style: chr15-90794340-A-C. GRCh37 (hg19) VCF-style: chr15-91337570-A-C.
Other names: c.3193A>C, p.Asn1065His (NM_001287246.2, NM_001287247.2); c.2068A>C, p.Asn690His (NM_001287248.2); short protein forms N690H, N1065H.
Identifiers: ClinVar variation 3480827 (VCV003480827.1).